The following is an entry in ClinVar:

ClinVar aggregate classification (germline): Uncertain significance. Review status: criteria provided, multiple submitters, no conflicts (2 of 4 stars). 2 submissions from 2 submitters: Uncertain significance (2). Last evaluated 2025-04-07.

Conditions:
Hereditary cancer-predisposing syndrome. Also called: Tumor predisposition; Neoplastic Syndromes, Hereditary; Hereditary Cancer Syndrome; Hereditary neoplastic syndrome. Identifiers: Orphanet 140162, MedGen C0027672, MeSH D009386, MONDO:0015356.
Ataxia-telangiectasia syndrome (AT). Also called: ATAXIA-TELANGIECTASIA, COMPLEMENTATION GROUP A; ATAXIA-TELANGIECTASIA, FRESNO VARIANT; Ataxia-telangiectasia; Ataxia-telangiectasia, complementation group D; AT, COMPLEMENTATION GROUP C; Ataxia-telangiectasia, complementation group E. Identifiers: Orphanet 100, MedGen C0004135, MONDO:0008840, OMIM 208900.

Submissions (2):

Labcorp Genetics (formerly Invitae), Labcorp
Classification: Uncertain significance for Ataxia-telangiectasia syndrome. Last evaluated: 2025-04-07. Review status: criteria provided, single submitter. Criteria: Invitae Variant Classification Sherloc (09022015). Collection method: clinical testing. Allele origin: germline.
Comment: This sequence change replaces proline, which is neutral and non-polar, with serine, which is neutral and polar, at codon 2903 of the ATM protein (p.Pro2903Ser). This variant is not present in population databases (gnomAD no frequency). This variant has not been reported in the literature in individuals affected with ATM-related conditions. ClinVar contains an entry for this variant (Variation ID: 822672). Invitae Evidence Modeling of protein sequence and biophysical properties (such as structural, functional, and spatial information, amino acid conservation, physicochemical variation, residue mobility, and thermodynamic stability) indicates that this missense variant is expected to disrupt ATM protein function with a positive predictive value of 95%. In summary, the available evidence is currently insufficient to determine the role of this variant in disease. Therefore, it has been classified as a Variant of Uncertain Significance.

Ambry Genetics
Classification: Uncertain significance for Hereditary cancer-predisposing syndrome. Last evaluated: 2024-10-14. Review status: criteria provided, single submitter. Criteria: Ambry Variant Classification Scheme 2023. Collection method: clinical testing. Allele origin: germline.
Comment: The p.P2903S variant (also known as c.8707C>T), located in coding exon 59 of the ATM gene, results from a C to T substitution at nucleotide position 8707. The proline at codon 2903 is replaced by serine, an amino acid with similar properties. This amino acid position is highly conserved in available vertebrate species. In addition, this alteration is predicted to be deleterious by in silico analysis. Based on the available evidence, the clinical significance of this variant remains unclear.

NM_000051.4(ATM):c.8707C>T (p.Pro2903Ser)

Genes: C11orf65 (chromosome 11 open reading frame 65; minus strand), ATM (ATM serine/threonine kinase; plus strand). Cytogenetic location: 11q22.3.
Variant type: single nucleotide variant.
Coding change: c.8707C>T on transcript NM_000051.4 (MANE Select); coding-DNA position 8707, C replaced by T.
Protein change: p.Pro2903Ser; replaces proline 2903 with serine.
Molecular consequence: missense variant. On other transcripts: intron variant (2).
Genome position (GRCh38, 1-based): chr11:108,353,801, C>T. VCF-style: chr11-108353801-C-T. GRCh37 (hg19) VCF-style: chr11-108224528-C-T.
Other names: c.8707C>T, p.Pro2903Ser (NM_001351834.2); c.640+32119G>A (NM_001330368.2); c.695-18509G>A (NM_001351110.2); short protein forms P2903S.
Identifiers: ClinVar variation 822672 (VCV000822672.15), dbSNP rs1591306666, ClinGen allele CA382523733.